The following is an entry in ClinVar:

ClinVar aggregate classification (germline): Uncertain significance (1 of 4 stars; one submission).

Conditions:
Pitt-Hopkins-like syndrome 2 (PTHSL2). Identifiers: Orphanet 221150, Orphanet 600663, MedGen C3280479, MONDO:0013690, OMIM 614325.

Submission:

Labcorp Genetics (formerly Invitae), Labcorp
Classification: Uncertain significance for Pitt-Hopkins-like syndrome 2. Last evaluated: 2023-03-08. Review status: criteria provided, single submitter. Criteria: Invitae Variant Classification Sherloc (09022015). Collection method: clinical testing. Allele origin: germline.
Comment: In summary, the available evidence is currently insufficient to determine the role of this variant in disease. Therefore, it has been classified as a Variant of Uncertain Significance. An algorithm developed to predict the effect of missense changes on protein structure and function (PolyPhen-2) suggests that this variant is likely to be disruptive. This variant has not been reported in the literature in individuals affected with NRXN1-related conditions. This variant is not present in population databases (gnomAD no frequency). This sequence change replaces cysteine, which is neutral and slightly polar, with glycine, which is neutral and non-polar, at codon 712 of the NRXN1 protein (p.Cys712Gly).

NM_001330078.2(NRXN1):c.2014T>G (p.Cys672Gly)

Gene: NRXN1 (neurexin 1; minus strand). Cytogenetic location: 2p16.3.
Variant type: single nucleotide variant.
Coding change: c.2014T>G on transcript NM_001330078.2 (MANE Select); coding-DNA position 2014, T replaced by G.
Protein change: p.Cys672Gly; replaces cysteine 672 with glycine.
Molecular consequence: missense variant.
Genome position (GRCh38, 1-based): chr2:50,538,382, A>C on the plus strand (T>G on the coding strand, the complement: NRXN1 is on the minus strand). VCF-style: chr2-50538382-A-C. GRCh37 (hg19) VCF-style: chr2-50765520-A-C.
Other names: c.1990T>G, p.Cys664Gly (NM_001330095.2, NM_001330077.2, NM_001330082.2); c.1930T>G, p.Cys644Gly (NM_001330096.2, NM_001330087.2); c.2014T>G, p.Cys672Gly (NM_004801.6, NM_001330085.2, NM_001330086.2); c.2134T>G, p.Cys712Gly (NM_001135659.3); c.1975T>G, p.Cys659Gly (NM_001330083.2, NM_001330084.2); c.1960T>G, p.Cys654Gly (NM_001330088.2); c.2011T>G, p.Cys671Gly (NM_001330093.2); c.2002T>G, p.Cys668Gly (NM_001330094.2); short protein forms C654G, C672G, C712G, C659G, C664G, C644G, C668G, C671G.
Identifiers: ClinVar variation 2843717 (VCV002843717.3), dbSNP rs2465665614, ClinGen allele CA346770532.